The following is an entry in ClinVar:

ClinVar aggregate classification (germline): Uncertain significance (1 of 4 stars; one submission).

Conditions:
Familial intrahepatic cholestasis. Identifiers: Orphanet 284385, MedGen CN296401, MONDO:0017290.

Submission:

Genomenon, Inc
Classification: Uncertain significance for Familial intrahepatic cholestasis. Last evaluated: 2026-04-14. Review status: criteria provided, single submitter. Criteria: Genomenon Sequence Variant Interpretation Standards - Updated. Collection method: curation. Allele origin: germline. Affected: no.
Comment: ATP8B1 p.Arg797His (c.2390G>A) is a missense variant that changes the amino acid at residue 797 from Arginine to Histidine. This variant has been reported in the published literature (PMID:37208429). It is absent or not present at a significant frequency in gnomAD. In silico models predict that this variant is not damaging. In conclusion, we classify ATP8B1 p.Arg797His (c.2390G>A) as a variant of uncertain significance.

Literature cited by the submitters: PubMed 37208429.

NM_001374385.1(ATP8B1):c.2390G>A (p.Arg797His)

Genes: ATP8B1 (ATPase phospholipid transporting 8B1; minus strand), ATP8B1-AS1 (ATP8B1 antisense RNA 1; plus strand). Cytogenetic location: 18q21.31.
Variant type: single nucleotide variant.
Coding change: c.2390G>A on transcript NM_001374385.1 (MANE Select); coding-DNA position 2390, G replaced by A.
Protein change: p.Arg797His; replaces arginine 797 with histidine.
Molecular consequence: missense variant.
Genome position (GRCh38, 1-based): chr18:57,662,511, C>T on the plus strand (G>A on the coding strand, the complement: ATP8B1 is on the minus strand). VCF-style: chr18-57662511-C-T. GRCh37 (hg19) VCF-style: chr18-55329743-C-T.
Other names: c.2390G>A, p.Arg797His (NM_005603.6); c.2240G>A, p.Arg747His (NM_001374386.1); short protein forms R747H, R797H.
Identifiers: ClinVar variation 4846276 (VCV004846276.1).